The following is an entry in ClinVar:

NM_006922.4(SCN3A):c.5755A>G (p.Arg1919Gly)

Gene: SCN3A (sodium voltage-gated channel alpha subunit 3; minus strand). Cytogenetic location: 2q24.3.
Variant type: single nucleotide variant.
Coding change: c.5755A>G on transcript NM_006922.4 (MANE Select); coding-DNA position 5755, A replaced by G.
Protein change: p.Arg1919Gly; replaces arginine 1919 with glycine.
Molecular consequence: missense variant.
Genome position (GRCh38, 1-based): chr2:165,090,398, T>C on the plus strand (A>G on the coding strand, the complement: SCN3A is on the minus strand). VCF-style: chr2-165090398-T-C. GRCh37 (hg19) VCF-style: chr2-165946908-T-C.
Other names: c.5608A>G, p.Arg1870Gly (NM_001081676.2, NM_001081677.2); short protein forms R1919G, R1870G.
Identifiers: ClinVar variation 1361347 (VCV001361347.8), dbSNP rs2105616990, ClinGen allele CA349009849.

ClinVar aggregate classification (germline): Uncertain significance (1 of 4 stars; one submission).

Submission:

Labcorp Genetics (formerly Invitae), Labcorp
Classification: Uncertain significance. Last evaluated: 2022-08-09. Review status: criteria provided, single submitter. Criteria: Invitae Variant Classification Sherloc (09022015). Collection method: clinical testing. Allele origin: germline.
Comment: Algorithms developed to predict the effect of missense changes on protein structure and function (SIFT, PolyPhen-2, Align-GVGD) all suggest that this variant is likely to be tolerated. This sequence change replaces arginine, which is basic and polar, with glycine, which is neutral and non-polar, at codon 1919 of the SCN3A protein (p.Arg1919Gly). This variant is not present in population databases (gnomAD no frequency). This variant has not been reported in the literature in individuals affected with SCN3A-related conditions. ClinVar contains an entry for this variant (Variation ID: 1361347). In summary, the available evidence is currently insufficient to determine the role of this variant in disease. Therefore, it has been classified as a Variant of Uncertain Significance.